The following is an entry in ClinVar:

ClinVar aggregate classification (germline): Uncertain significance. Review status: criteria provided, multiple submitters, no conflicts (2 of 4 stars). 2 submissions from 2 submitters: Uncertain significance (2). Last evaluated 2025-04-14.

Conditions:
Hereditary spastic paraplegia 11. Also called: Spastic paraplegia, mental retardation and thin corpus callosum; Nakamura Osame syndrome; Autosomal recessive hereditary spastic paraplegia, mental impairment, and thin corpus callosum; SPASTIC PARAPLEGIA, AUTOSOMAL RECESSIVE, COMPLICATED, WITH THIN CORPUS CALLOSUM; SPASTIC PARAPLEGIA, AUTOSOMAL RECESSIVE, WITH MENTAL IMPAIRMENT AND THIN CORPUS CALLOSUM; Spastic Paraplegia 11. Identifiers: Orphanet 2822, MedGen C1858479, MONDO:0011445, OMIM 604360.

Submissions (2):

Mayo Clinic Laboratories, Mayo Clinic
Classification: Uncertain significance. Last evaluated: 2025-04-14. Review status: criteria provided, single submitter. Criteria: ACMG Guidelines, 2015. Collection method: clinical testing. Allele origin: germline. Observed: 1 variant allele.
Comment: PM2_supporting, PM4

Labcorp Genetics (formerly Invitae), Labcorp
Classification: Uncertain significance for Hereditary spastic paraplegia 11. Last evaluated: 2022-08-22. Review status: criteria provided, single submitter. Criteria: Invitae Variant Classification Sherloc (09022015). Collection method: clinical testing. Allele origin: germline.
Comment: This variant, c.7201_7218del, results in the deletion of 6 amino acid(s) of the SPG11 protein (p.Leu2401_Glu2406del), but otherwise preserves the integrity of the reading frame. This variant is not present in population databases (gnomAD no frequency). This variant has not been reported in the literature in individuals affected with SPG11-related conditions. ClinVar contains an entry for this variant (Variation ID: 665336). Experimental studies and prediction algorithms are not available or were not evaluated, and the functional significance of this variant is currently unknown. In summary, the available evidence is currently insufficient to determine the role of this variant in disease. Therefore, it has been classified as a Variant of Uncertain Significance.

NM_025137.4(SPG11):c.7201_7218del (p.Leu2401_Glu2406del)

Gene: SPG11 (SPG11 vesicle trafficking associated, spatacsin; minus strand). Cytogenetic location: 15q21.1.
Variant type: Deletion.
Coding change: c.7201_7218del on transcript NM_025137.4 (MANE Select); coding-DNA positions 7201 to 7218, 18 bases deleted (TTACTCACATATTGTGAA).
Protein change: p.Leu2401_Glu2406del.
Molecular consequence: inframe deletion.
Genome position (GRCh38, 1-based): chr15:44,563,235-44,563,252, TTCACAATATGTGAGTAA deleted on the plus strand (TTACTCACATATTGTGAA on the coding strand, the reverse complement: SPG11 is on the minus strand); deleting any 18 consecutive bases within chr15:44,563,235-44,563,254 gives the same sequence; the c. name uses the placement nearest the transcript's 3' end. VCF-style (leftmost placement, unchanged base first): chr15-44563234-CTTCACAATATGTGAGTAA-C. GRCh37 (hg19) VCF-style: chr15-44855432-CTTCACAATATGTGAGTAA-C.
Other names: p.Leu2401_Glu2406del; c.6862_6879del, p.Leu2288_Glu2293del (NM_001160227.2).
Identifiers: ClinVar variation 665336 (VCV000665336.9), dbSNP rs1490325672, ClinGen allele CA713044646.